The following is an entry in ClinVar:

NM_001080449.3(DNA2):c.253G>A (p.Asp85Asn)

Gene: DNA2 (DNA replication helicase/nuclease 2; minus strand). Cytogenetic location: 10q21.3.
Variant type: single nucleotide variant.
Coding change: c.253G>A on transcript NM_001080449.3 (MANE Select); coding-DNA position 253, G replaced by A.
Protein change: p.Asp85Asn; replaces aspartic acid 85 with asparagine.
Molecular consequence: missense variant. On other transcripts: non-coding transcript variant (1).
Genome position (GRCh38, 1-based): chr10:68,469,985, C>T on the plus strand (G>A on the coding strand, the complement: DNA2 is on the minus strand). VCF-style: chr10-68469985-C-T. GRCh37 (hg19) VCF-style: chr10-70229742-C-T.
Other names: short protein forms D85N.
Identifiers: ClinVar variation 4241701 (VCV004241701.2).

ClinVar aggregate classification (germline): Uncertain significance. Review status: criteria provided, multiple submitters, no conflicts (2 of 4 stars). 2 submissions from 2 submitters: Uncertain significance (2). Last evaluated 2025-06-22.

Conditions:
Inborn genetic diseases. Identifiers: MedGen C0950123, MeSH D030342.

gnomAD v4.1: 2 of 1,595,608 alleles (0.00013%); highest among the groups gnomAD compares: African/African-American, 0.0027%; no homozygotes.

Submissions (2):

Ambry Genetics
Classification: Uncertain significance for Inborn genetic diseases. Last evaluated: 2025-06-22. Review status: criteria provided, single submitter. Criteria: Ambry Variant Classification Scheme 2023. Collection method: clinical testing. Allele origin: germline.

Labcorp Genetics (formerly Invitae), Labcorp
Classification: Uncertain significance. Last evaluated: 2025-05-17. Review status: criteria provided, single submitter. Criteria: Invitae Variant Classification Sherloc (09022015). Collection method: clinical testing. Allele origin: germline.
Comment: This sequence change replaces aspartic acid, which is acidic and polar, with asparagine, which is neutral and polar, at codon 85 of the DNA2 protein (p.Asp85Asn). This variant is not present in population databases (gnomAD no frequency). This variant has not been reported in the literature in individuals affected with DNA2-related conditions. Invitae Evidence Modeling of protein sequence and biophysical properties (such as structural, functional, and spatial information, amino acid conservation, physicochemical variation, residue mobility, and thermodynamic stability) has been performed for this missense variant. However, the output from this modeling did not meet the statistical confidence thresholds required to predict the impact of this variant on DNA2 protein function. In summary, the available evidence is currently insufficient to determine the role of this variant in disease. Therefore, it has been classified as a Variant of Uncertain Significance.